The following is an entry in ClinVar:

ClinVar aggregate classification (germline): Uncertain significance (1 of 4 stars; one submission).

Conditions:
Autosomal recessive polycystic kidney disease (ARPKD). Also called: AR polycystic kidney disease. Identifiers: Orphanet 731, Orphanet 8378, MedGen C0085548, MeSH D017044, MONDO:0009889.

Submission:

Labcorp Genetics (formerly Invitae), Labcorp
Classification: Uncertain significance for Autosomal recessive polycystic kidney disease. Last evaluated: 2024-01-08. Review status: criteria provided, single submitter. Criteria: Invitae Variant Classification Sherloc (09022015). Collection method: clinical testing. Allele origin: germline.
Comment: This sequence change replaces asparagine, which is neutral and polar, with lysine, which is basic and polar, at codon 2435 of the PKHD1 protein (p.Asn2435Lys). This variant is not present in population databases (gnomAD no frequency). This variant has not been reported in the literature in individuals affected with PKHD1-related conditions. ClinVar contains an entry for this variant (Variation ID: 2122278). Advanced modeling of protein sequence and biophysical properties (such as structural, functional, and spatial information, amino acid conservation, physicochemical variation, residue mobility, and thermodynamic stability) performed at Invitae indicates that this missense variant is not expected to disrupt PKHD1 protein function with a negative predictive value of 95%. In summary, the available evidence is currently insufficient to determine the role of this variant in disease. Therefore, it has been classified as a Variant of Uncertain Significance.

NM_138694.4(PKHD1):c.7305T>G (p.Asn2435Lys)

Gene: PKHD1 (PKHD1 ciliary IPT domain containing fibrocystin/polyductin; minus strand). Cytogenetic location: 6p12.2.
Variant type: single nucleotide variant.
Coding change: c.7305T>G on transcript NM_138694.4 (MANE Select); coding-DNA position 7305, T replaced by G.
Protein change: p.Asn2435Lys; replaces asparagine 2435 with lysine.
Molecular consequence: missense variant.
Genome position (GRCh38, 1-based): chr6:51,883,138, A>C on the plus strand (T>G on the coding strand, the complement: PKHD1 is on the minus strand). VCF-style: chr6-51883138-A-C. GRCh37 (hg19) VCF-style: chr6-51747936-A-C.
Other names: c.7305T>G, p.Asn2435Lys (NM_170724.3); short protein forms N2435K.
Identifiers: ClinVar variation 2122278 (VCV002122278.4), dbSNP rs1359818748, ClinGen allele CA364422026.